The following is an entry in ClinVar:

ClinVar aggregate classification (germline): Likely benign. Review status: criteria provided, single submitter (1 of 4 stars). 2 submissions from 2 submitters: Likely benign (1). 1 of the submissions does not count toward it. Last evaluated 2022-05-06.

Conditions:
ALPK2-related disorder. Also called: ALPK2-related condition.

Allele frequency attached by ClinVar (database versions not stated): TOPMed below 0.00001; ExAC 0.00001.
gnomAD v4.1: 11 of 1,613,802 alleles (0.00068%); highest among the groups gnomAD compares: South Asian, 0.0099%; no homozygotes.

Submissions (2):

Ambry Genetics
Classification: Likely benign. Last evaluated: 2022-05-06. Review status: criteria provided, single submitter. Criteria: Ambry Variant Classification Scheme 2023. Collection method: clinical testing. Allele origin: germline.

PreventionGenetics, part of Exact Sciences
Classification: Likely benign for ALPK2-related condition. Last evaluated: 2019-07-12. Review status: no assertion criteria provided. Collection method: clinical testing. Allele origin: germline. Not counted in ClinVar's aggregate classification.
Comment: This variant is classified as likely benign based on ACMG/AMP sequence variant interpretation guidelines (Richards et al. 2015 PMID: 25741868, with internal and published modifications).

NM_052947.4(ALPK2):c.5526C>T (p.Ser1842=)

Gene: ALPK2 (alpha kinase 2; minus strand). Cytogenetic location: 18q21.31.
Variant type: single nucleotide variant.
Coding change: c.5526C>T on transcript NM_052947.4 (MANE Select); coding-DNA position 5526, C replaced by T.
Protein change: p.Ser1842=; no amino-acid change (serine 1842 retained).
Molecular consequence: synonymous variant.
Genome position (GRCh38, 1-based): chr18:58,524,038, G>A on the plus strand (C>T on the coding strand, the complement: ALPK2 is on the minus strand). VCF-style: chr18-58524038-G-A. GRCh37 (hg19) VCF-style: chr18-56191270-G-A.
Identifiers: ClinVar variation 1748095 (VCV001748095.3), dbSNP rs753587692, ClinGen allele CA8976453.
Genomic context (GRCh38, chr18:58,524,038, plus strand): 5'-GTTCTTGATGCAGCAGTAATAGAGTCCCTGGTCCTTCGGACTGGCTTGCACGATGGCAAA[G>A]GAAACAGTGGAGTTGTCCCCTGCACTGCAATGAGGAATATTCACATTGACACACTTCATC-3'
Protein context (NP_443179.3, residues 1832-1852): QRSAGDNSTV[Ser1842=]FAIVQASPKD